The following is an entry in ClinVar:

ClinVar aggregate classification (germline): Uncertain significance (1 of 4 stars; one submission).

gnomAD v4.1: 1 of 1,614,126 alleles (0.000062%); highest among the groups gnomAD compares: Non-Finnish European, 0.000085%; no homozygotes.

Submission:

Ambry Genetics
Classification: Uncertain significance. Last evaluated: 2025-11-11. Review status: criteria provided, single submitter. Criteria: Ambry Variant Classification Scheme 2023. Collection method: clinical testing. Allele origin: germline.
Comment: The p.T1078N variant (also known as c.3233C>A), located in coding exon 1 of the TET2 gene, results from a C to A substitution at nucleotide position 3233. The threonine at codon 1078 is replaced by asparagine, an amino acid with similar properties. This amino acid position is conserved. In addition, this alteration is predicted to be tolerated by in silico analysis. Based on the available evidence, the clinical significance of this variant remains unclear.

NM_001127208.3(TET2):c.3233C>A (p.Thr1078Asn)

Genes: TET2 (tet methylcytosine dioxygenase 2; plus strand), TET2-AS1 (TET2 antisense RNA 1; minus strand). Cytogenetic location: 4q24.
Variant type: single nucleotide variant.
Coding change: c.3233C>A on transcript NM_001127208.3 (MANE Select); coding-DNA position 3233, C replaced by A.
Protein change: p.Thr1078Asn; replaces threonine 1078 with asparagine.
Molecular consequence: missense variant.
Genome position (GRCh38, 1-based): chr4:105,237,175, C>A. VCF-style: chr4-105237175-C-A. GRCh37 (hg19) VCF-style: chr4-106158332-C-A.
Other names: c.3233C>A, p.Thr1078Asn (NM_017628.4); short protein forms T1078N.
Identifiers: ClinVar variation 4594197 (VCV004594197.1).
Genomic context (GRCh38, chr4:105,237,175, plus strand): 5'-TGTCAGGGCCAGTCACAGTTTTGACTAGACAAACCACTGCTGCAGAACTTGATAGCCACA[C>A]CCCAGCTTTAGAGCAGCAAACAACTTCTTCAGAAAAGACACCAACCAAAAGAACAGCTGC-3'
Protein context (NP_001120680.1, residues 1068-1088): QTTAAELDSH[Thr1078Asn]PALEQQTTSS